The following is an entry in ClinVar:

NM_006218.4(PIK3CA):c.2232C>G (p.Phe744Leu)

Gene: PIK3CA (phosphatidylinositol-4,5-bisphosphate 3-kinase catalytic subunit alpha; plus strand). Cytogenetic location: 3q26.32.
Variant type: single nucleotide variant.
Coding change: c.2232C>G on transcript NM_006218.4 (MANE Select); coding-DNA position 2232, C replaced by G.
Protein change: p.Phe744Leu; replaces phenylalanine 744 with leucine.
Molecular consequence: missense variant.
Genome position (GRCh38, 1-based): chr3:179,224,125, C>G. VCF-style: chr3-179224125-C-G. GRCh37 (hg19) VCF-style: chr3-178941913-C-G.
Other names: short protein forms F744L.
Identifiers: ClinVar variation 3372346 (VCV003372346.1).

ClinVar aggregate classification (germline): Uncertain significance (1 of 4 stars; one submission).

Submission:

GeneDx
Classification: Uncertain significance. Last evaluated: 2024-04-14. Review status: criteria provided, single submitter. Criteria: GeneDx Variant Classification Process June 2021. Collection method: clinical testing. Allele origin: germline. Affected: yes.
Comment: Not observed at significant frequency in large population cohorts (gnomAD); In silico analysis supports that this missense variant has a deleterious effect on protein structure/function; Has not been previously published as pathogenic or benign to our knowledge